The following is an entry in ClinVar:

NM_004655.4(AXIN2):c.1909G>T (p.Ala637Ser)

Gene: AXIN2 (axin 2; minus strand). Cytogenetic location: 17q24.1.
Variant type: single nucleotide variant.
Coding change: c.1909G>T on transcript NM_004655.4 (MANE Select); coding-DNA position 1909, G replaced by T.
Protein change: p.Ala637Ser; replaces alanine 637 with serine.
Molecular consequence: missense variant.
Genome position (GRCh38, 1-based): chr17:65,536,552, C>A on the plus strand (G>T on the coding strand, the complement: AXIN2 is on the minus strand). VCF-style: chr17-65536552-C-A. GRCh37 (hg19) VCF-style: chr17-63532670-C-A.
Other names: c.1714G>T, p.Ala572Ser (NM_001363813.1); short protein forms A572S, A637S.
Identifiers: ClinVar variation 5032669 (VCV005032669.1).

ClinVar aggregate classification (germline): Uncertain significance (1 of 4 stars; one submission).

Conditions:
Hereditary cancer-predisposing syndrome. Also called: Neoplastic Syndromes, Hereditary; Tumor predisposition; Hereditary neoplastic syndrome; Hereditary Cancer Syndrome. Identifiers: Orphanet 140162, MedGen C0027672, MeSH D009386, MONDO:0015356.

Submission:

Ambry Genetics
Classification: Uncertain significance for Hereditary cancer-predisposing syndrome. Last evaluated: 2026-08-04. Review status: criteria provided, single submitter. Criteria: Ambry Variant Classification Scheme 2023. Collection method: clinical testing. Allele origin: germline.
Comment: The p.A637S variant (also known as c.1909G>T), located in coding exon 7 of the AXIN2 gene, results from a G to T substitution at nucleotide position 1909. The alanine at codon 637 is replaced by serine, an amino acid with similar properties. This amino acid position is conserved. In addition, this alteration is predicted to be tolerated by in silico analysis. Based on the available evidence, the clinical significance of this variant remains unclear.